The following is an entry in ClinVar:

ClinVar aggregate classification (germline): Conflicting classifications of pathogenicity. Review status: criteria provided, conflicting classifications (1 of 4 stars). 4 submissions from 4 submitters: Uncertain significance (3); Likely benign (1). Last evaluated 2025-11-18.

Conditions:
Early-infantile DEE. Also called: Ohtahara syndrome; Early infantile epileptic encephalopathy with suppression bursts; Early infantile epileptic encephalopathy. Identifiers: Orphanet 1934, MedGen C0393706, MONDO:0800491.

Allele frequency attached by ClinVar (database versions not stated): gnomAD exomes below 0.00001 and 0.00002; TOPMed 0.00002; ExAC 0.00003; gnomAD 0.00003.

Submissions (4):

GeneDx
Classification: Uncertain significance. Last evaluated: 2025-11-18. Review status: criteria provided, single submitter. Criteria: GeneDx Variant Classification Process June 2021. Collection method: clinical testing. Allele origin: germline. Affected: yes.
Comment: In silico analysis supports that this missense variant has a deleterious effect on protein structure/function; This substitution is predicted to be within the transmembrane segment S2 of the third homologous domain; Has not been previously published as pathogenic or benign to our knowledge

Labcorp Genetics (formerly Invitae), Labcorp
Classification: Likely benign for Early-infantile DEE. Last evaluated: 2025-10-02. Review status: criteria provided, single submitter. Criteria: Invitae Variant Classification Sherloc (09022015). Collection method: clinical testing. Allele origin: germline.

Women's Health and Genetics/Laboratory Corporation of America, LabCorp
Classification: Uncertain significance. Last evaluated: 2024-02-07. Review status: criteria provided, single submitter. Criteria: LabCorp Variant Classification Summary - May 2015. Collection method: clinical testing. Allele origin: germline.
Comment: Variant summary: SCN1A c.3752T>C (p.Met1251Thr) results in a non-conservative amino acid change located in the Ion transport domain (IPR005821) of the encoded protein sequence. Four of five in-silico tools predict a damaging effect of the variant on protein function. The variant allele was found at a frequency of 6.2e-06 in 1609902 control chromosomes, predominantly at a frequency of 8e-05 within the African or African-American subpopulation in the gnomAD database. The available data on variant occurrences in the general population are insufficient to allow any conclusion about variant significance. To our knowledge, no occurrence of c.3752T>C in individuals affected with SCN1A-Related Seizure Disorder and no experimental evidence demonstrating its impact on protein function have been reported. ClinVar contains an entry for this variant (Variation ID: 408940). Based on the evidence outlined above, the variant was classified as uncertain significance.

Institute for Clinical Genetics, University Hospital TU Dresden, University Hospital TU Dresden
Classification: Uncertain significance. Last evaluated: 2021-11-03. Review status: criteria provided, single submitter. Criteria: ACMG Guidelines, 2015. Collection method: clinical testing. Allele origin: germline.

NM_001165963.4(SCN1A):c.3752T>C (p.Met1251Thr)

Genes: SCN1A (sodium voltage-gated channel alpha subunit 1; minus strand), LOC102724058 (uncharacterized LOC102724058; plus strand). Cytogenetic location: 2q24.3.
Variant type: single nucleotide variant.
Coding change: c.3752T>C on transcript NM_001165963.4 (MANE Select); coding-DNA position 3752, T replaced by C.
Protein change: p.Met1251Thr; replaces methionine 1251 with threonine.
Molecular consequence: missense variant. On other transcripts: non-coding transcript variant (1).
Genome position (GRCh38, 1-based): chr2:166,012,236, A>G on the plus strand (T>C on the coding strand, the complement: SCN1A is on the minus strand). VCF-style: chr2-166012236-A-G. GRCh37 (hg19) VCF-style: chr2-166868746-A-G.
Other names: c.3668T>C, p.Met1223Thr (NM_001165964.3, NM_001353957.2, NM_001353958.2); c.3752T>C, p.Met1251Thr (NM_001202435.3, NM_001353948.2); c.3719T>C, p.Met1240Thr (NM_001353949.2, NM_001353950.2, NM_001353951.2 and 2 more transcripts); c.3716T>C, p.Met1239Thr (NM_001353954.2, NM_001353955.2); c.3665T>C, p.Met1222Thr (NM_001353960.2); c.1310T>C, p.Met437Thr (NM_001353961.2); short protein forms M1240T, M1251T, M1223T, M1239T, M1222T, M437T.
Identifiers: ClinVar variation 408940 (VCV000408940.20), dbSNP rs749638533, ClinGen allele CA1942888.